The following is an entry in ClinVar:

ClinVar aggregate classification (germline): Uncertain significance. Review status: criteria provided, multiple submitters, no conflicts (2 of 4 stars). 4 submissions from 4 submitters: Uncertain significance (4). Last evaluated 2024-09-08.

Conditions:
Inborn genetic diseases. Identifiers: MedGen C0950123, MeSH D030342.
Autosomal recessive nonsyndromic hearing loss 3. Also called: NEUROSENSORY NONSYNDROMIC RECESSIVE DEAFNESS 3. Identifiers: Orphanet 90636, MedGen C1838263, MONDO:0010860, OMIM 600316.

Allele frequency attached by ClinVar (database versions not stated): gnomAD exomes below 0.00001 and 0.00003; TOPMed below 0.00001; gnomAD 0.00001; ExAC 0.00002.

Submissions (4):

Ambry Genetics
Classification: Uncertain significance for Inborn genetic diseases. Last evaluated: 2024-09-08. Review status: criteria provided, single submitter. Criteria: Ambry Variant Classification Scheme 2023. Collection method: clinical testing. Allele origin: germline.

Labcorp Genetics (formerly Invitae), Labcorp
Classification: Uncertain significance. Last evaluated: 2022-01-27. Review status: criteria provided, single submitter. Criteria: Invitae Variant Classification Sherloc (09022015). Collection method: clinical testing. Allele origin: germline.
Comment: This sequence change replaces glutamine, which is neutral and polar, with arginine, which is basic and polar, at codon 2479 of the MYO15A protein (p.Gln2479Arg). This variant is present in population databases (rs756565842, gnomAD 0.03%). This variant has not been reported in the literature in individuals affected with MYO15A-related conditions. ClinVar contains an entry for this variant (Variation ID: 322160). Advanced modeling of protein sequence and biophysical properties (such as structural, functional, and spatial information, amino acid conservation, physicochemical variation, residue mobility, and thermodynamic stability) performed at Invitae indicates that this missense variant is not expected to disrupt MYO15A protein function. In summary, the available evidence is currently insufficient to determine the role of this variant in disease. Therefore, it has been classified as a Variant of Uncertain Significance.

Illumina Laboratory Services, Illumina
Classification: Uncertain significance for Autosomal recessive nonsyndromic hearing loss 3. Last evaluated: 2018-01-12. Review status: criteria provided, single submitter. Criteria: ICSL Variant Classification Criteria 13 December 2019. Collection method: clinical testing. Allele origin: germline.

Laboratory for Molecular Medicine, Mass General Brigham Personalized Medicine
Classification: Uncertain significance. Last evaluated: 2017-07-20. Review status: criteria provided, single submitter. Criteria: LMM Criteria. Collection method: clinical testing. Allele origin: germline. Observed: 1 variant allele.
Comment: The p.Gln2479Arg variant in MYO15A has not been previously reported in individua ls with hearing loss, but has been reported in ClinVar (Variation ID# 322160) as of uncertain significant. This variant has been identified in 5/15380 East Asi an chromosomes by the Genome Aggregation Database (gnomAD; dbSNP rs756565842). Computational prediction tools and conservatio n analyses do not provide strong support for or against an impact to the protein . In summary, the clinical significance of the p.Gln2479Arg variant is uncertain .

NM_016239.4(MYO15A):c.7436A>G (p.Gln2479Arg)

Gene: MYO15A (myosin XVA; plus strand). Cytogenetic location: 17p11.2.
Variant type: single nucleotide variant.
Coding change: c.7436A>G on transcript NM_016239.4 (MANE Select); coding-DNA position 7436, A replaced by G.
Protein change: p.Gln2479Arg; replaces glutamine 2479 with arginine.
Molecular consequence: missense variant.
Genome position (GRCh38, 1-based): chr17:18,150,876, A>G. VCF-style: chr17-18150876-A-G. GRCh37 (hg19) VCF-style: chr17-18054190-A-G.
Other names: short protein forms Q2479R.
Identifiers: ClinVar variation 322160 (VCV000322160.10), dbSNP rs756565842, ClinGen allele CA8424842.